The following is an entry in ClinVar:

NM_206933.4(USH2A):c.8672G>T (p.Gly2891Val)

Gene: USH2A (usherin; minus strand). Cytogenetic location: 1q41.
Variant type: single nucleotide variant.
Coding change: c.8672G>T on transcript NM_206933.4 (MANE Select); coding-DNA position 8672, G replaced by T.
Protein change: p.Gly2891Val; replaces glycine 2891 with valine.
Molecular consequence: missense variant.
Genome position (GRCh38, 1-based): chr1:215,877,767, C>A on the plus strand (G>T on the coding strand, the complement: USH2A is on the minus strand). VCF-style: chr1-215877767-C-A. GRCh37 (hg19) VCF-style: chr1-216051109-C-A.
Other names: short protein forms G2891V.
Identifiers: ClinVar variation 856762 (VCV000856762.14), dbSNP rs1664810364, ClinGen allele CA344828848.

ClinVar aggregate classification (germline): Uncertain significance. Review status: criteria provided, multiple submitters, no conflicts (2 of 4 stars). 3 submissions from 3 submitters: Uncertain significance (2). 1 of the submissions does not count toward it. Last evaluated 2023-03-23.

Conditions:
Usher syndrome type 2A. Also called: RETINAL DISEASE IN USHER SYNDROME TYPE IIA, MODIFIER OF; USHER SYNDROME, TYPE IIA. Identifiers: Orphanet 231178, Orphanet 886, MedGen C1848634, MONDO:0010169, OMIM 276901.

gnomAD v4.1: 5 of 1,613,742 alleles (0.00031%); highest among the groups gnomAD compares: East Asian, 0.0067%; no homozygotes.

Submissions (3):

Labcorp Genetics (formerly Invitae), Labcorp
Classification: Uncertain significance. Last evaluated: 2023-03-23. Review status: criteria provided, single submitter. Criteria: Invitae Variant Classification Sherloc (09022015). Collection method: clinical testing. Allele origin: germline.
Comment: In summary, the available evidence is currently insufficient to determine the role of this variant in disease. Therefore, it has been classified as a Variant of Uncertain Significance. Advanced modeling of protein sequence and biophysical properties (such as structural, functional, and spatial information, amino acid conservation, physicochemical variation, residue mobility, and thermodynamic stability) performed at Invitae indicates that this missense variant is expected to disrupt USH2A protein function. ClinVar contains an entry for this variant (Variation ID: 856762). This variant has not been reported in the literature in individuals affected with USH2A-related conditions. This variant is not present in population databases (gnomAD no frequency). This sequence change replaces glycine, which is neutral and non-polar, with valine, which is neutral and non-polar, at codon 2891 of the USH2A protein (p.Gly2891Val).

Blueprint Genetics
Classification: Uncertain significance. Last evaluated: 2022-07-29. Review status: criteria provided, single submitter. Criteria: ACMG Guidelines, 2015. Collection method: clinical testing. Allele origin: germline.

Natera, Inc.
Classification: Uncertain significance for Usher syndrome type 2A. Last evaluated: 2021-02-03. Review status: no assertion criteria provided. Collection method: clinical testing. Allele origin: germline. Not counted in ClinVar's aggregate classification.